The following is an entry in ClinVar:

NM_004958.4(MTOR):c.1437_1438inv (p.Ala480Thr)

Gene: MTOR (mechanistic target of rapamycin kinase; minus strand). Cytogenetic location: 1p36.22.
Variant type: Inversion.
Coding change: c.1437_1438inv on transcript NM_004958.4 (MANE Select).
Protein change: p.Ala480Thr; replaces alanine 480 with threonine.
Molecular consequence: missense variant.
Genome position: GRCh38 VCF-style: chr1-11241656-CA-TG. GRCh37 (hg19) VCF-style: chr1-11301713-CA-TG.
Other names: short protein forms A480T.
Identifiers: ClinVar variation 934118 (VCV000934118.9), ClinGen allele CA1139655982.

ClinVar aggregate classification (germline): Uncertain significance (1 of 4 stars; one submission).

Submission:

Labcorp Genetics (formerly Invitae), Labcorp
Classification: Uncertain significance. Last evaluated: 2023-12-28. Review status: criteria provided, single submitter. Criteria: Invitae Variant Classification Sherloc (09022015). Collection method: clinical testing. Allele origin: germline.
Comment: This sequence change replaces alanine, which is neutral and non-polar, with threonine, which is neutral and polar, at codon 480 of the MTOR protein (p.Ala480Thr). Information on the frequency of this variant in the gnomAD database is not available, as this variant may be reported differently in the database. This variant has not been reported in the literature in individuals affected with MTOR-related conditions. ClinVar contains an entry for this variant (Variation ID: 934118). Experimental studies and prediction algorithms are not available or were not evaluated, and the functional significance of this variant is currently unknown. In summary, the available evidence is currently insufficient to determine the role of this variant in disease. Therefore, it has been classified as a Variant of Uncertain Significance.